The following is an entry in ClinVar:

NM_031220.4(PITPNM3):c.242C>T (p.Pro81Leu)

Gene: PITPNM3 (PITPNM family member 3; minus strand). Cytogenetic location: 17p13.1.
Variant type: single nucleotide variant.
Coding change: c.242C>T on transcript NM_031220.4 (MANE Select); coding-DNA position 242, C replaced by T.
Protein change: p.Pro81Leu; replaces proline 81 with leucine.
Molecular consequence: missense variant.
Genome position (GRCh38, 1-based): chr17:6,503,559, G>A on the plus strand (C>T on the coding strand, the complement: PITPNM3 is on the minus strand). VCF-style: chr17-6503559-G-A. GRCh37 (hg19) VCF-style: chr17-6406879-G-A.
Other names: c.134C>T, p.Pro45Leu (NM_001165966.2); short protein forms P45L, P81L.
Identifiers: ClinVar variation 1897466 (VCV001897466.5), dbSNP rs763191181, ClinGen allele CA8329899.

ClinVar aggregate classification (germline): Uncertain significance (1 of 4 stars; one submission).

Allele frequency attached by ClinVar (database versions not stated): gnomAD 0.00002; TOPMed 0.00002; gnomAD exomes 0.00005.
gnomAD v4.1: 77 of 1,611,744 alleles (0.0048%); highest among the groups gnomAD compares: Non-Finnish European, 0.0058%; no homozygotes.

Submission:

Labcorp Genetics (formerly Invitae), Labcorp
Classification: Uncertain significance. Last evaluated: 2025-12-13. Review status: criteria provided, single submitter. Criteria: Invitae Variant Classification Sherloc (09022015). Collection method: clinical testing. Allele origin: germline.
Comment: This sequence change replaces proline, which is neutral and non-polar, with leucine, which is neutral and non-polar, at codon 81 of the PITPNM3 protein (p.Pro81Leu). This variant is present in population databases (rs763191181, gnomAD 0.006%). This variant has not been reported in the literature in individuals affected with PITPNM3-related conditions. ClinVar contains an entry for this variant (Variation ID: 1897466). An algorithm developed to predict the effect of missense changes on protein structure and function (PolyPhen-2) suggests that this variant is likely to be tolerated. In summary, the available evidence is currently insufficient to determine the role of this variant in disease. Therefore, it has been classified as a Variant of Uncertain Significance.